The following is an entry in ClinVar:

NM_025132.4(WDR19):c.716+1G>C

Gene: WDR19 (WD repeat domain 19; plus strand). Cytogenetic location: 4p14.
Variant type: single nucleotide variant.
Coding change: c.716+1G>C on transcript NM_025132.4 (MANE Select); the canonical splice donor site of the intron after coding-DNA position 716, G replaced by C.
Molecular consequence: splice donor variant.
Genome position (GRCh38, 1-based): chr4:39,205,267, G>C. VCF-style: chr4-39205267-G-C. GRCh37 (hg19) VCF-style: chr4-39206887-G-C.
Other names: c.236+1G>C (NM_001317924.2).
Identifiers: ClinVar variation 2925976 (VCV002925976.3), dbSNP rs1232649308, ClinGen allele CA356634165.

ClinVar aggregate classification (germline): Likely pathogenic (1 of 4 stars; one submission).

Conditions:
Asphyxiating thoracic dystrophy 5 (SRTD5). Also called: SHORT-RIB THORACIC DYSPLASIA 5 WITH OR WITHOUT POLYDACTYLY; SHORT-RIB THORACIC DYSPLASIA 5 WITHOUT POLYDACTYLY. Identifiers: Orphanet 474, MedGen C3280598, MONDO:0013717, OMIM 614376.
Senior-Loken syndrome 8 (SLSN8). Identifiers: Orphanet 3156, MedGen C4225376, MONDO:0014579, OMIM 616307.

Allele frequency attached by ClinVar (database versions not stated): gnomAD exomes below 0.00001.
gnomAD v4.1: 1 of 1,583,468 alleles (0.000063%); highest among the groups gnomAD compares: Non-Finnish European, 0.000086%; no homozygotes.

Submission:

Labcorp Genetics (formerly Invitae), Labcorp
Classification: Likely pathogenic for Senior-Loken syndrome 8; Asphyxiating thoracic dystrophy 5. Last evaluated: 2023-02-04. Review status: criteria provided, single submitter. Criteria: Invitae Variant Classification Sherloc (09022015). Collection method: clinical testing. Allele origin: germline.
Comment: In summary, the currently available evidence indicates that the variant is pathogenic, but additional data are needed to prove that conclusively. Therefore, this variant has been classified as Likely Pathogenic. Algorithms developed to predict the effect of sequence changes on RNA splicing suggest that this variant may disrupt the consensus splice site. This variant has not been reported in the literature in individuals affected with WDR19-related conditions. This variant is not present in population databases (gnomAD no frequency). This sequence change affects a donor splice site in intron 8 of the WDR19 gene. It is expected to disrupt RNA splicing. Variants that disrupt the donor or acceptor splice site typically lead to a loss of protein function (PMID: 16199547), and loss-of-function variants in WDR19 are known to be pathogenic (PMID: 22019273, 23559409, 23683095, 26275793, 27241786, 29068549).

Literature cited by the submitters: PubMed 16199547; PubMed 22019273; PubMed 23559409; PubMed 23683095; PubMed 26275793; PubMed 27241786; PubMed 29068549.